The following is an entry in ClinVar:

NM_181303.2(NLGN3):c.668T>C (p.Ile223Thr)

Gene: NLGN3 (neuroligin 3; plus strand). Cytogenetic location: Xq13.1.
Variant type: single nucleotide variant.
Coding change: c.668T>C on transcript NM_181303.2 (MANE Select); coding-DNA position 668, T replaced by C.
Protein change: p.Ile223Thr; replaces isoleucine 223 with threonine.
Molecular consequence: missense variant.
Genome position (GRCh38, 1-based): chrX:71,155,304, T>C. VCF-style: chrX-71155304-T-C. GRCh37 (hg19) VCF-style: chrX-70375154-T-C.
Other names: c.548T>C, p.Ile183Thr (NM_001166660.2); c.257T>C, p.Ile86Thr (NM_001321276.2); c.608T>C, p.Ile203Thr (NM_018977.4); short protein forms I183T, I203T, I223T, I86T.
Identifiers: ClinVar variation 3906380 (VCV003906380.1).

ClinVar aggregate classification (germline): Uncertain significance (1 of 4 stars; one submission).

Submission:

GeneDx
Classification: Uncertain significance. Last evaluated: 2024-12-20. Review status: criteria provided, single submitter. Criteria: GeneDx Variant Classification Process June 2021. Collection method: clinical testing. Allele origin: germline. Affected: yes.
Comment: Not observed at significant frequency in large population cohorts (gnomAD); In silico analysis supports that this missense variant has a deleterious effect on protein structure/function; Has not been previously published as pathogenic or benign to our knowledge